The following is an entry in ClinVar:

ClinVar aggregate classification (germline): Uncertain significance. Review status: criteria provided, multiple submitters, no conflicts (2 of 4 stars). 3 submissions from 3 submitters: Uncertain significance (3). Last evaluated 2024-11-05.

Conditions:
Hereditary cancer-predisposing syndrome. Also called: Neoplastic Syndromes, Hereditary; Hereditary Cancer Syndrome; Hereditary neoplastic syndrome; Tumor predisposition. Identifiers: Orphanet 140162, MedGen C0027672, MeSH D009386, MONDO:0015356.
Cardiovascular phenotype. Identifiers: MedGen CN230736.
Neurofibromatosis, type 1 (NF1). Also called: Neurofibromatosis, type I; Peripheral type neurofibromatosis; VON RECKLINGHAUSEN DISEASE; NEUROFIBROMATOSIS, TYPE I, SOMATIC. Identifiers: Orphanet 636, MedGen C0027831, MONDO:0018975, OMIM 162200. Disease mechanism: loss of function.

Allele frequency attached by ClinVar (database versions not stated): TOPMed below 0.00001; gnomAD 0.00001.

Submissions (3):

Labcorp Genetics (formerly Invitae), Labcorp
Classification: Uncertain significance for Neurofibromatosis, type 1. Last evaluated: 2024-11-05. Review status: criteria provided, single submitter. Criteria: Invitae Variant Classification Sherloc (09022015). Collection method: clinical testing. Allele origin: germline.
Comment: This sequence change replaces serine, which is neutral and polar, with cysteine, which is neutral and slightly polar, at codon 1802 of the NF1 protein (p.Ser1802Cys). This variant is not present in population databases (gnomAD no frequency). This variant has not been reported in the literature in individuals affected with NF1-related conditions. ClinVar contains an entry for this variant (Variation ID: 825709). Invitae Evidence Modeling of protein sequence and biophysical properties (such as structural, functional, and spatial information, amino acid conservation, physicochemical variation, residue mobility, and thermodynamic stability) indicates that this missense variant is expected to disrupt NF1 protein function with a positive predictive value of 95%. In summary, the available evidence is currently insufficient to determine the role of this variant in disease. Therefore, it has been classified as a Variant of Uncertain Significance.

Genome-Nilou Lab
Classification: Uncertain significance for Neurofibromatosis, type 1. Last evaluated: 2022-03-15. Review status: criteria provided, single submitter. Criteria: ACMG Guidelines, 2015. Collection method: clinical testing. Allele origin: germline. Affected: no.

Ambry Genetics
Classification: Uncertain significance for Cardiovascular phenotype; Hereditary cancer-predisposing syndrome. Last evaluated: 2018-09-29. Review status: criteria provided, single submitter. Criteria: Ambry Variant Classification Scheme 2023. Collection method: clinical testing. Allele origin: germline.

NM_001042492.3(NF1):c.5468C>G (p.Ser1823Cys)

Gene: NF1 (neurofibromin 1; plus strand). Cytogenetic location: 17q11.2.
Variant type: single nucleotide variant.
Coding change: c.5468C>G on transcript NM_001042492.3 (MANE Select); coding-DNA position 5468, C replaced by G.
Protein change: p.Ser1823Cys; replaces serine 1823 with cysteine.
Molecular consequence: missense variant.
Genome position (GRCh38, 1-based): chr17:31,327,698, C>G. VCF-style: chr17-31327698-C-G. GRCh37 (hg19) VCF-style: chr17-29654716-C-G.
Other names: c.5405C>G, p.Ser1802Cys (NM_000267.4); short protein forms S1802C, S1823C.
Identifiers: ClinVar variation 825709 (VCV000825709.12), dbSNP rs1597832156, ClinGen allele CA399009511.